The following is an entry in ClinVar:

NM_032806.6(POMGNT2):c.747G>C (p.Gln249His)

Gene: POMGNT2 (protein O-linked mannose N-acetylglucosaminyltransferase 2 (beta 1,4-); minus strand). Cytogenetic location: 3p22.1.
Variant type: single nucleotide variant.
Coding change: c.747G>C on transcript NM_032806.6 (MANE Select); coding-DNA position 747, G replaced by C.
Protein change: p.Gln249His; replaces glutamine 249 with histidine.
Molecular consequence: missense variant.
Genome position (GRCh38, 1-based): chr3:43,080,685, C>G on the plus strand (G>C on the coding strand, the complement: POMGNT2 is on the minus strand). VCF-style: chr3-43080685-C-G. GRCh37 (hg19) VCF-style: chr3-43122177-C-G.
Other names: short protein forms Q249H.
Identifiers: ClinVar variation 641663 (VCV000641663.7), dbSNP rs762976283, ClinGen allele CA352302592.

ClinVar aggregate classification (germline): Uncertain significance (1 of 4 stars; one submission).

Conditions:
Muscular dystrophy-dystroglycanopathy (congenital with brain and eye anomalies), type a, 8 (MDDGA8). Also called: WALKER-WARBURG SYNDROME OR MUSCLE-EYE-BRAIN DISEASE, GTDC2-RELATED. Identifiers: Orphanet 899, MedGen C3553813, MONDO:0013904, OMIM 614830.

gnomAD v4.1: 3 of 1,614,220 alleles (0.00019%); highest among the groups gnomAD compares: Non-Finnish European, 0.00025%; no homozygotes.

Submission:

Labcorp Genetics (formerly Invitae), Labcorp
Classification: Uncertain significance for Muscular dystrophy-dystroglycanopathy (congenital with brain and eye anomalies), type a, 8. Last evaluated: 2025-11-12. Review status: criteria provided, single submitter. Criteria: Invitae Variant Classification Sherloc (09022015). Collection method: clinical testing. Allele origin: germline.
Comment: This sequence change replaces glutamine, which is neutral and polar, with histidine, which is basic and polar, at codon 249 of the POMGNT2 protein (p.Gln249His). This variant is not present in population databases (gnomAD no frequency). This variant has not been reported in the literature in individuals affected with POMGNT2-related conditions. ClinVar contains an entry for this variant (Variation ID: 641663). Invitae Evidence Modeling of protein sequence and biophysical properties (such as structural, functional, and spatial information, amino acid conservation, physicochemical variation, residue mobility, and thermodynamic stability) indicates that this missense variant is not expected to disrupt POMGNT2 protein function with a negative predictive value of 80%. In summary, the available evidence is currently insufficient to determine the role of this variant in disease. Therefore, it has been classified as a Variant of Uncertain Significance.